The following is an entry in ClinVar:

ClinVar aggregate classification (germline): Benign. Review status: criteria provided, multiple submitters, no conflicts (2 of 4 stars). 3 submissions from 3 submitters: Benign (3). Last evaluated 2022-08-01.

Allele frequency attached by ClinVar (database versions not stated): gnomAD 0.00604 and 0.00628; ExAC 0.00732; gnomAD exomes 0.00744 and 0.00855; 1000 Genomes Project 0.00200; 1000 Genomes Project 30x 0.00219; TOPMed 0.00547; ESP Exome Variant Server 0.00577.
gnomAD v4.1: 13,313 of 1,605,692 alleles (0.83%); highest among the groups gnomAD compares: Middle Eastern, 1.3%; 85 homozygotes.

Submissions (3):

CeGaT Center for Human Genetics Tuebingen
Classification: Benign. Last evaluated: 2022-08-01. Review status: criteria provided, single submitter. Criteria: CeGaT Center For Human Genetics Tuebingen Variant Classification Criteria Version 2. Collection method: clinical testing. Allele origin: germline. Affected: yes. Observed: 1 variant allele.
Comment: CHST8: BP4, BP7, BS1, BS2

Labcorp Genetics (formerly Invitae), Labcorp
Classification: Benign. Last evaluated: 2019-12-31. Review status: criteria provided, single submitter. Criteria: Invitae Variant Classification Sherloc (09022015). Collection method: clinical testing. Allele origin: germline.

Breakthrough Genomics
Classification: Benign. Review status: criteria provided, single submitter. Criteria: ACMG Guidelines, 2015. Collection method: not provided. Allele origin: germline. Inheritance: Autosomal recessive inheritance. Affected: yes.

NM_001127895.2(CHST8):c.27G>A (p.Arg9=)

Gene: CHST8 (carbohydrate sulfotransferase 8; plus strand). Cytogenetic location: 19q13.11.
Variant type: single nucleotide variant.
Coding change: c.27G>A on transcript NM_001127895.2 (MANE Select); coding-DNA position 27, G replaced by A.
Protein change: p.Arg9=; no amino-acid change (arginine 9 retained).
Molecular consequence: synonymous variant.
Genome position (GRCh38, 1-based): chr19:33,689,288, G>A. VCF-style: chr19-33689288-G-A. GRCh37 (hg19) VCF-style: chr19-34180194-G-A.
Other names: c.27G>A, p.Arg9= (NM_001127896.2, NM_022467.3).
Identifiers: ClinVar variation 774526 (VCV000774526.29), dbSNP rs62103464, ClinGen allele CA9364595.
Genomic context (GRCh38, chr19:33,689,288, plus strand): 5'-CACACCCAAGAGGTGACCCCTGAGCCAGCCCCGGATGACCCTGCGACCTGGAACAATGCG[G>A]CTGGCCTGCATGTTCTCTTCCATCCTGCTGTTCGGAGCTGCAGGCCTCCTCCTCTTCATC-3'
Protein context (NP_001121367.1, residues 1-19): MTLRPGTM[Arg9=]LACMFSSILL